The following is an entry in ClinVar:

NM_001164508.2(NEB):c.1872G>T (p.Leu624Phe)

Gene: NEB (nebulin; minus strand). Cytogenetic location: 2q23.3.
Variant type: single nucleotide variant.
Coding change: c.1872G>T on transcript NM_001164508.2 (MANE Select); coding-DNA position 1872, G replaced by T.
Protein change: p.Leu624Phe; replaces leucine 624 with phenylalanine.
Molecular consequence: missense variant.
Genome position (GRCh38, 1-based): chr2:151,694,347, C>A on the plus strand (G>T on the coding strand, the complement: NEB is on the minus strand). VCF-style: chr2-151694347-C-A. GRCh37 (hg19) VCF-style: chr2-152550861-C-A.
Other names: c.1872G>T (NM_004543.4); c.1872G>T, p.Leu624Phe (NM_001164507.2, NM_001271208.2, NM_004543.5); short protein forms L624F.
Identifiers: ClinVar variation 281485 (VCV000281485.13), dbSNP rs775430225, ClinGen allele CA1911419.

ClinVar aggregate classification (germline): Uncertain significance. Review status: criteria provided, multiple submitters, no conflicts (2 of 4 stars). 5 submissions from 5 submitters: Uncertain significance (4). 1 of the submissions does not count toward it. Last evaluated 2025-06-20.

Conditions:
Inborn genetic diseases. Identifiers: MedGen C0950123, MeSH D030342.
Nemaline myopathy 2 (NEM2). Also called: Nemaline myopathy 2, autosomal recessive. Identifiers: MedGen C1850569, MONDO:0009725, OMIM 256030.

Allele frequency attached by ClinVar (database versions not stated): ExAC 0.00001; gnomAD exomes 0.00001 and 0.00002; TOPMed 0.00003.
gnomAD v4.1: 15 of 1,614,014 alleles (0.00093%); highest among the groups gnomAD compares: Non-Finnish European, 0.00059%; no homozygotes.

Submissions (5):

Ambry Genetics
Classification: Uncertain significance for Inborn genetic diseases. Last evaluated: 2025-06-20. Review status: criteria provided, single submitter. Criteria: Ambry Variant Classification Scheme 2023. Collection method: clinical testing. Allele origin: germline.

Blueprint Genetics
Classification: Uncertain significance. Last evaluated: 2024-08-22. Review status: criteria provided, single submitter. Criteria: ACMG Guidelines, 2015. Collection method: clinical testing. Allele origin: germline.

Labcorp Genetics (formerly Invitae), Labcorp
Classification: Uncertain significance for Nemaline myopathy 2. Last evaluated: 2022-07-05. Review status: criteria provided, single submitter. Criteria: Invitae Variant Classification Sherloc (09022015). Collection method: clinical testing. Allele origin: germline.
Comment: This sequence change replaces leucine, which is neutral and non-polar, with phenylalanine, which is neutral and non-polar, at codon 624 of the NEB protein (p.Leu624Phe). This variant is present in population databases (rs775430225, gnomAD 0.04%). This variant has not been reported in the literature in individuals affected with NEB-related conditions. ClinVar contains an entry for this variant (Variation ID: 281485). Algorithms developed to predict the effect of missense changes on protein structure and function are either unavailable or do not agree on the potential impact of this missense change (SIFT: "Deleterious"; PolyPhen-2: "Not Available"; Align-GVGD: "Class C0"). In summary, the available evidence is currently insufficient to determine the role of this variant in disease. Therefore, it has been classified as a Variant of Uncertain Significance.

Eurofins Ntd Llc (ga)
Classification: Uncertain significance. Last evaluated: 2015-06-17. Review status: criteria provided, single submitter. Criteria: EGL Classification Definitions 2015. Collection method: clinical testing. Allele origin: germline. Observed: 1 variant allele, 1 heterozygote.

Natera, Inc.
Classification: Uncertain significance for Nemaline myopathy type 2. Last evaluated: 2019-12-30. Review status: no assertion criteria provided. Collection method: clinical testing. Allele origin: germline. Not counted in ClinVar's aggregate classification.